The following is an entry in ClinVar:

NM_001122681.2(SH3BP2):c.1522G>A (p.Val508Met)

Gene: SH3BP2 (SH3 domain binding protein 2; plus strand). Cytogenetic location: 4p16.3.
Variant type: single nucleotide variant.
Coding change: c.1522G>A on transcript NM_001122681.2 (MANE Select); coding-DNA position 1522, G replaced by A.
Protein change: p.Val508Met; replaces valine 508 with methionine.
Molecular consequence: missense variant.
Genome position (GRCh38, 1-based): chr4:2,833,023, G>A. VCF-style: chr4-2833023-G-A. GRCh37 (hg19) VCF-style: chr4-2834750-G-A.
Other names: c.1606G>A, p.Val536Met (NM_001145855.2); c.1693G>A, p.Val565Met (NM_001145856.2); c.1522G>A, p.Val508Met (NM_003023.4); short protein forms V536M, V565M, V508M.
Identifiers: ClinVar variation 2752441 (VCV002752441.3), dbSNP rs2530364169, ClinGen allele CA356059200.

ClinVar aggregate classification (germline): Uncertain significance (1 of 4 stars; one submission).

Conditions:
Fibrous dysplasia of jaw (CRBM). Also called: Cherubism. Identifiers: Orphanet 184, MedGen C0008029, MONDO:0007315, OMIM 118400.

Submission:

Labcorp Genetics (formerly Invitae), Labcorp
Classification: Uncertain significance for Fibrous dysplasia of jaw. Last evaluated: 2023-08-22. Review status: criteria provided, single submitter. Criteria: Invitae Variant Classification Sherloc (09022015). Collection method: clinical testing. Allele origin: germline.
Comment: This sequence change replaces valine, which is neutral and non-polar, with methionine, which is neutral and non-polar, at codon 508 of the SH3BP2 protein (p.Val508Met). This variant is not present in population databases (gnomAD no frequency). This variant has not been reported in the literature in individuals affected with SH3BP2-related conditions. Advanced modeling of protein sequence and biophysical properties (such as structural, functional, and spatial information, amino acid conservation, physicochemical variation, residue mobility, and thermodynamic stability) performed at Invitae indicates that this missense variant is not expected to disrupt SH3BP2 protein function. In summary, the available evidence is currently insufficient to determine the role of this variant in disease. Therefore, it has been classified as a Variant of Uncertain Significance.